The following is an entry in ClinVar:

NM_001184.4(ATR):c.2311A>C (p.Lys771Gln)

Gene: ATR (ATR checkpoint kinase; minus strand). Cytogenetic location: 3q23.
Variant type: single nucleotide variant.
Coding change: c.2311A>C on transcript NM_001184.4 (MANE Select); coding-DNA position 2311, A replaced by C.
Protein change: p.Lys771Gln; replaces lysine 771 with glutamine.
Molecular consequence: missense variant.
Genome position (GRCh38, 1-based): chr3:142,555,907, T>G on the plus strand (A>C on the coding strand, the complement: ATR is on the minus strand). VCF-style: chr3-142555907-T-G. GRCh37 (hg19) VCF-style: chr3-142274749-T-G.
Other names: c.2119A>C, p.Lys707Gln (NM_001354579.2); short protein forms K707Q, K771Q.
Identifiers: ClinVar variation 3221080 (VCV003221080.1), dbSNP rs1232704868, ClinGen allele CA354818419.
Genomic context (GRCh38, chr3:142,555,907, plus strand): 5'-TAAAGTATTAAATAAGTCATAATCACTCACCAAGTTTTACTGGACTAGGTATTTTTTTTT[T>G]CAGTAGGAAAAGGAATGGCTTGCAGACAGAAGCTTTTAGTTGAGAAGATGAACATTCATG-3'
Protein context (NP_001175.2, residues 761-781): SVCKPFLFLL[Lys771Gln]KKIPSPVKLA

ClinVar aggregate classification (germline): Uncertain significance (1 of 4 stars; one submission).

Conditions:
Inborn genetic diseases. Identifiers: MedGen C0950123, MeSH D030342.

Allele frequency attached by ClinVar (database versions not stated): gnomAD 0.00001; TOPMed 0.00001.
gnomAD v4.1: 1 of 1,609,924 alleles (0.000062%); highest among the groups gnomAD compares: African/African-American, 0.0013%; no homozygotes.

Submission:

Ambry Genetics
Classification: Uncertain significance for Inborn genetic diseases. Last evaluated: 2023-10-27. Review status: criteria provided, single submitter. Criteria: Ambry Variant Classification Scheme 2023. Collection method: clinical testing. Allele origin: germline.
Comment: The p.K771Q variant (also known as c.2311A>C), located in coding exon 10 of the ATR gene, results from an A to C substitution at nucleotide position 2311. The lysine at codon 771 is replaced by glutamine, an amino acid with similar properties. This amino acid position is conserved. In addition, this alteration is predicted to be tolerated by in silico analysis. Since supporting evidence is limited at this time, the clinical significance of this alteration remains unclear.